The following is an entry in ClinVar:

ClinVar aggregate classification (germline): Uncertain significance (1 of 4 stars; one submission).

Conditions:
Hereditary cancer-predisposing syndrome. Also called: Neoplastic Syndromes, Hereditary; Tumor predisposition; Hereditary neoplastic syndrome; Hereditary Cancer Syndrome. Identifiers: Orphanet 140162, MedGen C0027672, MeSH D009386, MONDO:0015356.

Submission:

Ambry Genetics
Classification: Uncertain significance for Hereditary cancer-predisposing syndrome. Last evaluated: 2026-06-24. Review status: criteria provided, single submitter. Criteria: Ambry Variant Classification Scheme 2023. Collection method: clinical testing. Allele origin: germline.
Comment: The p.D56H variant (also known as c.166G>C), located in coding exon 3 of the PALB2 gene, results from a G to C substitution at nucleotide position 166. The aspartic acid at codon 56 is replaced by histidine, an amino acid with similar properties. This amino acid position is conserved. In addition, this alteration is predicted to be tolerated by in silico analysis. Based on the available evidence, the clinical significance of this variant remains unclear.

NM_024675.4(PALB2):c.166G>C (p.Asp56His)

Gene: PALB2 (partner and localizer of BRCA2; minus strand). Cytogenetic location: 16p12.2.
Variant type: single nucleotide variant.
Coding change: c.166G>C on transcript NM_024675.4 (MANE Select); coding-DNA position 166, G replaced by C.
Protein change: p.Asp56His; replaces aspartic acid 56 with histidine.
Molecular consequence: missense variant. On other transcripts: 5 prime UTR variant (8), intron variant (3).
Genome position (GRCh38, 1-based): chr16:23,637,895, C>G on the plus strand (G>C on the coding strand, the complement: PALB2 is on the minus strand). VCF-style: chr16-23637895-C-G. GRCh37 (hg19) VCF-style: chr16-23649216-C-G.
Other names: c.106G>C, p.Asp36His (NM_001407296.1); c.166G>C, p.Asp56His (NM_001407297.1, NM_001407298.1, NM_001407299.1 and 3 more transcripts); c.-720G>C (NM_001407304.1, NM_001407305.1, NM_001407306.1 and 5 more transcripts); c.48+3215G>C (NM_001407314.1); c.-105+3215G>C (NM_001407313.1, NM_001407312.1); short protein forms D56H, D36H.
Identifiers: ClinVar variation 5026143 (VCV005026143.1).